The following is an entry in ClinVar:

NM_004380.3(CREBBP):c.4482del (p.Lys1495fs)

Gene: CREBBP (CREB binding lysine acetyltransferase; minus strand). Cytogenetic location: 16p13.3.
Variant type: Deletion.
Coding change: c.4482del on transcript NM_004380.3 (MANE Select); coding-DNA position 4482, one base deleted (C; older notation c.4482delC).
Protein change: p.Lys1495fs; shifts the reading frame from lysine 1495.
Molecular consequence: frameshift variant.
Genome position (GRCh38, 1-based): chr16:3,736,728, G deleted on the plus strand (C on the coding strand, the reverse complement: CREBBP is on the minus strand); the first of 3 consecutive G bases (chr16:3,736,728-3,736,730); deleting any one gives the same sequence. VCF-style (leftmost placement, unchanged base first): chr16-3736727-TG-T. GRCh37 (hg19) VCF-style: chr16-3786728-TG-T.
Other names: c.4368del, p.Lys1457fs (NM_001079846.1); short protein forms K1457fs, K1495fs.
Identifiers: ClinVar variation 2000642 (VCV002000642.4), dbSNP rs2151329629, ClinGen allele CA2580091147.

ClinVar aggregate classification (germline): Pathogenic (1 of 4 stars; one submission).

Conditions:
Rubinstein-Taybi syndrome (RSTS). Identifiers: Orphanet 783, MedGen C0035934, MONDO:0019188.

Submission:

Labcorp Genetics (formerly Invitae), Labcorp
Classification: Pathogenic for Rubinstein-Taybi syndrome. Last evaluated: 2022-05-29. Review status: criteria provided, single submitter. Criteria: Invitae Variant Classification Sherloc (09022015). Collection method: clinical testing. Allele origin: germline.
Comment: This sequence change creates a premature translational stop signal (p.Lys1495Serfs*55) in the CREBBP gene. It is expected to result in an absent or disrupted protein product. Loss-of-function variants in CREBBP are known to be pathogenic (PMID: 17052327, 18792986). This variant is not present in population databases (gnomAD no frequency). This variant has not been reported in the literature in individuals affected with CREBBP-related conditions. For these reasons, this variant has been classified as Pathogenic.

Literature cited by the submitters: PubMed 17052327; PubMed 18792986.